The following is an entry in ClinVar:

NM_003664.5(AP3B1):c.2198G>T (p.Gly733Val)

Gene: AP3B1 (adaptor related protein complex 3 subunit beta 1; minus strand). Cytogenetic location: 5q14.1.
Variant type: single nucleotide variant.
Coding change: c.2198G>T on transcript NM_003664.5 (MANE Select); coding-DNA position 2198, G replaced by T.
Protein change: p.Gly733Val; replaces glycine 733 with valine.
Molecular consequence: missense variant.
Genome position (GRCh38, 1-based): chr5:78,113,803, C>A on the plus strand (G>T on the coding strand, the complement: AP3B1 is on the minus strand). VCF-style: chr5-78113803-C-A. GRCh37 (hg19) VCF-style: chr5-77409627-C-A.
Other names: c.2051G>T, p.Gly684Val (NM_001271769.2); c.2198G>T, p.Gly733Val (NM_001410752.1); short protein forms G733V, G684V.
Identifiers: ClinVar variation 2765769 (VCV002765769.3), dbSNP rs2530961522, ClinGen allele CA360183527.

ClinVar aggregate classification (germline): Uncertain significance (1 of 4 stars; one submission).

Conditions:
Hermansky-Pudlak syndrome 2 (HPS2). Also called: Platelet defects and oculocutaneous albinism. Identifiers: Orphanet 183678, Orphanet 79430, MedGen C1842362, MONDO:0011997, OMIM 608233.

Submission:

Labcorp Genetics (formerly Invitae), Labcorp
Classification: Uncertain significance for Hermansky-Pudlak syndrome 2. Last evaluated: 2023-10-05. Review status: criteria provided, single submitter. Criteria: Invitae Variant Classification Sherloc (09022015). Collection method: clinical testing. Allele origin: germline.
Comment: This sequence change replaces glycine, which is neutral and non-polar, with valine, which is neutral and non-polar, at codon 733 of the AP3B1 protein (p.Gly733Val). This variant is not present in population databases (gnomAD no frequency). This variant has not been reported in the literature in individuals affected with AP3B1-related conditions. An algorithm developed to predict the effect of missense changes on protein structure and function (PolyPhen-2) suggests that this variant is likely to be tolerated. In summary, the available evidence is currently insufficient to determine the role of this variant in disease. Therefore, it has been classified as a Variant of Uncertain Significance.